The following is an entry in ClinVar:

ClinVar aggregate classification (germline): Uncertain significance. Review status: criteria provided, multiple submitters, no conflicts (2 of 4 stars). 2 submissions from 2 submitters: Uncertain significance (2). Last evaluated 2024-10-15.

Conditions:
Mowat-Wilson syndrome (MOWS). Also called: Classic Mowat-Wilson Syndrome. Identifiers: Orphanet 2152, MedGen C1856113, MONDO:0009341, OMIM 235730.

Allele frequency attached by ClinVar (database versions not stated): gnomAD exomes below 0.00001; TOPMed below 0.00001.
gnomAD v4.1: 3 of 1,610,496 alleles (0.00019%); highest among the groups gnomAD compares: South Asian, 0.0022%; no homozygotes.

Submissions (2):

Labcorp Genetics (formerly Invitae), Labcorp
Classification: Uncertain significance for Mowat-Wilson syndrome. Last evaluated: 2024-10-15. Review status: criteria provided, single submitter. Criteria: Invitae Variant Classification Sherloc (09022015). Collection method: clinical testing. Allele origin: germline.
Comment: This sequence change replaces proline, which is neutral and non-polar, with threonine, which is neutral and polar, at codon 1103 of the ZEB2 protein (p.Pro1103Thr). This variant is not present in population databases (gnomAD no frequency). This variant has not been reported in the literature in individuals affected with ZEB2-related conditions. ClinVar contains an entry for this variant (Variation ID: 2651394). An algorithm developed to predict the effect of missense changes on protein structure and function (PolyPhen-2) suggests that this variant is likely to be disruptive. In summary, the available evidence is currently insufficient to determine the role of this variant in disease. Therefore, it has been classified as a Variant of Uncertain Significance.

CeGaT Center for Human Genetics Tuebingen
Classification: Uncertain significance. Last evaluated: 2023-06-01. Review status: criteria provided, single submitter. Criteria: CeGaT Center For Human Genetics Tuebingen Variant Classification Criteria Version 2. Collection method: clinical testing. Allele origin: germline. Affected: yes. Observed: 1 variant allele.
Comment: ZEB2: PM2, PP2

NM_014795.4(ZEB2):c.3307C>A (p.Pro1103Thr)

Gene: ZEB2 (zinc finger E-box binding homeobox 2; minus strand). Cytogenetic location: 2q22.3.
Variant type: single nucleotide variant.
Coding change: c.3307C>A on transcript NM_014795.4 (MANE Select); coding-DNA position 3307, C replaced by A.
Protein change: p.Pro1103Thr; replaces proline 1103 with threonine.
Molecular consequence: missense variant.
Genome position (GRCh38, 1-based): chr2:144,389,789, G>T on the plus strand (C>A on the coding strand, the complement: ZEB2 is on the minus strand). VCF-style: chr2-144389789-G-T. GRCh37 (hg19) VCF-style: chr2-145147356-G-T.
Other names: c.3235C>A, p.Pro1079Thr (NM_001171653.2); short protein forms P1079T, P1103T.
Identifiers: ClinVar variation 2651394 (VCV002651394.26), dbSNP rs1338018838, ClinGen allele CA348699741.